The following is an entry in ClinVar:

ClinVar aggregate classification (germline): Uncertain significance (1 of 4 stars; one submission).

Submission:

Labcorp Genetics (formerly Invitae), Labcorp
Classification: Uncertain significance. Last evaluated: 2022-09-29. Review status: criteria provided, single submitter. Criteria: Invitae Variant Classification Sherloc (09022015). Collection method: clinical testing. Allele origin: germline.
Comment: Information on the frequency of this variant in the gnomAD database is not available, as this variant may be reported differently in the database. In summary, the available evidence is currently insufficient to determine the role of this variant in disease. Therefore, it has been classified as a Variant of Uncertain Significance. Experimental studies and prediction algorithms are not available or were not evaluated, and the effect of this variant on mRNA splicing is currently unknown. This variant has not been reported in the literature in individuals affected with ITGAM-related conditions. This sequence change falls in intron 22 of the ITGAM gene. It does not directly change the encoded amino acid sequence of the ITGAM protein.

NM_000632.4(ITGAM):c.2709-15_2709-14delinsGC

Gene: ITGAM (integrin subunit alpha M; plus strand). Cytogenetic location: 16p11.2.
Variant type: Indel.
Coding change: c.2709-15_2709-14delinsGC on transcript NM_000632.4 (MANE Select); 15 bases into the intron before coding-DNA position 2709 through 14 bases into the intron before coding-DNA position 2709, TT replaced by GC.
Molecular consequence: intron variant.
Genome position (GRCh38, 1-based): chr16:31,328,132-31,328,133, TT replaced by GC. VCF-style: chr16-31328132-TT-GC. GRCh37 (hg19) VCF-style: chr16-31339453-TT-GC.
Other names: c.2712-15_2712-14delinsGC (NM_001145808.2).
Identifiers: ClinVar variation 2033325 (VCV002033325.4), dbSNP rs2544502593, ClinGen allele CA2580091531.